The following is an entry in ClinVar:

NM_000179.3(MSH6):c.1767T>A (p.Tyr589Ter)

Gene: MSH6 (mutS homolog 6; plus strand). Cytogenetic location: 2p16.3.
Variant type: single nucleotide variant.
Coding change: c.1767T>A on transcript NM_000179.3 (MANE Select); coding-DNA position 1767, T replaced by A.
Protein change: p.Tyr589Ter; replaces tyrosine 589 with a stop codon.
Molecular consequence: nonsense.
Genome position (GRCh38, 1-based): chr2:47,799,750, T>A. VCF-style: chr2-47799750-T-A. GRCh37 (hg19) VCF-style: chr2-48026889-T-A.
Other names: c.1377T>A, p.Tyr459Ter (NM_001281492.2); c.861T>A, p.Tyr287Ter (NM_001281493.2, NM_001281494.2); short protein forms Y589*, Y287*, Y459*.
Identifiers: ClinVar variation 566121 (VCV000566121.13), dbSNP rs1558662873, ClinGen allele CA346749116.
Genomic context (GRCh38, chr2:47,799,750, plus strand): 5'-CATAGGTCAGTTTTCAGATGATCGCCATTGTTCGAGATTTAGGACTCTAGTGGCACACTA[T>A]CCCCCAGTACAAGTTTTATTTGAAAAAGGAAATCTCTCAAAGGAAACTAAAACAATTCTA-3'

ClinVar aggregate classification (germline): Pathogenic. Review status: criteria provided, multiple submitters, no conflicts (2 of 4 stars). 4 submissions from 4 submitters: Pathogenic (4). Last evaluated 2023-08-15.

Conditions:
Hereditary nonpolyposis colon cancer (HNPCC). Also called: Hereditary nonpolyposis colorectal cancer; Familial nonpolyposis colon cancer; Hereditary Nonpolyposis Colorectal Cancer Syndrome. Identifiers: Orphanet 443909, MedGen C1333990, MONDO:0018630. Disease mechanism: loss of function.
Hereditary nonpolyposis colorectal neoplasms. Identifiers: MedGen C0009405, MeSH D003123.
Lynch syndrome 5 (LYNCH5). Also called: Colorectal cancer, hereditary nonpolyposis, type 5; Hereditary non-polyposis colorectal cancer, type 5. Identifiers: Orphanet 144, MedGen C1833477, MONDO:0013710, OMIM 614350. Disease mechanism: loss of function.
Hereditary cancer-predisposing syndrome. Also called: Neoplastic Syndromes, Hereditary; Tumor predisposition; Hereditary neoplastic syndrome; Hereditary Cancer Syndrome. Identifiers: Orphanet 140162, MedGen C0027672, MeSH D009386, MONDO:0015356.

Submissions (4):

Myriad Genetics, Inc.
Classification: Pathogenic for Lynch syndrome 5. Last evaluated: 2023-08-15. Review status: criteria provided, single submitter. Criteria: Myriad Autosomal Dominant, Autosomal Recessive and X-Linked Classification Criteria (2023). Collection method: clinical testing. Allele origin: unknown.
Comment: This variant is considered pathogenic. This variant creates a termination codon and is predicted to result in premature protein truncation.

Women's Health and Genetics/Laboratory Corporation of America, LabCorp
Classification: Pathogenic for Hereditary nonpolyposis colon cancer. Last evaluated: 2023-07-05. Review status: criteria provided, single submitter. Criteria: LabCorp Variant Classification Summary - May 2015. Collection method: clinical testing. Allele origin: germline.
Comment: Variant summary: MSH6 c.1767T>A (p.Tyr589X) results in a premature termination codon, predicted to cause a truncation of the encoded protein or absence of the protein due to nonsense mediated decay, which are commonly known mechanisms for disease. The variant was absent in 250300 control chromosomes (gnomAD). To our knowledge, no occurrence of c.1767T>A in individuals affected with Lynch Syndrome and no experimental evidence demonstrating its impact on protein function have been reported. One submitter has reported clinical-significance assessments for this variant to ClinVar after 2014 and has classified the variant as pathogenic. Based on the evidence outlined above, the variant was classified as pathogenic.

Ambry Genetics
Classification: Pathogenic for Hereditary cancer-predisposing syndrome. Last evaluated: 2023-04-05. Review status: criteria provided, single submitter. Criteria: Ambry Variant Classification Scheme 2023. Collection method: clinical testing. Allele origin: germline.
Comment: The p.Y589* variant (also known as c.1767T>A), located in coding exon 4 of the MSH6 gene, results from a T to A substitution at nucleotide position 1767. This changes the amino acid from a tyrosine to a stop codon within coding exon 4. This variant is considered to be rare based on population cohorts in the Genome Aggregation Database (gnomAD). This alteration is expected to result in loss of function by premature protein truncation or nonsense-mediated mRNA decay. As such, this alteration is interpreted as a disease-causing mutation.

Labcorp Genetics (formerly Invitae), Labcorp
Classification: Pathogenic for Hereditary nonpolyposis colorectal neoplasms. Last evaluated: 2022-12-09. Review status: criteria provided, single submitter. Criteria: Invitae Variant Classification Sherloc (09022015). Collection method: clinical testing. Allele origin: germline.
Comment: For these reasons, this variant has been classified as Pathogenic. ClinVar contains an entry for this variant (Variation ID: 566121). This sequence change creates a premature translational stop signal (p.Tyr589*) in the MSH6 gene. It is expected to result in an absent or disrupted protein product. Loss-of-function variants in MSH6 are known to be pathogenic (PMID: 18269114, 24362816). This variant is not present in population databases (gnomAD no frequency). This variant has not been reported in the literature in individuals affected with MSH6-related conditions.

Literature cited by the submitters: PubMed 18269114 (cited by Labcorp Genetics (formerly Invitae), Labcorp); PubMed 24362816 (cited by Labcorp Genetics (formerly Invitae), Labcorp).